The following is an entry in ClinVar:

NM_001291303.3(FAT4):c.12213+207C>T

Gene: FAT4 (FAT atypical cadherin 4; plus strand). Cytogenetic location: 4q28.1.
Variant type: single nucleotide variant.
Coding change: c.12213+207C>T on transcript NM_001291303.3 (MANE Select); 207 bases into the intron after coding-DNA position 12213, C replaced by T.
Molecular consequence: intron variant.
Genome position (GRCh38, 1-based): chr4:125,469,026, C>T. VCF-style: chr4-125469026-C-T. GRCh37 (hg19) VCF-style: chr4-126390181-C-T.
Other names: c.12213+207C>T (NM_001291285.3); c.12207+207C>T (NM_024582.6).
Identifiers: ClinVar variation 680147 (VCV000680147.1), dbSNP rs17009745, ClinGen allele CA104860617.

ClinVar aggregate classification (germline): Benign (1 of 4 stars; one submission).

Allele frequency attached by ClinVar (database versions not stated): gnomAD 0.34179 and 0.34681; TOPMed 0.35412; 1000 Genomes Project 30x 0.37648; 1000 Genomes Project 0.37839.
gnomAD v4.1: 52,853 of 151,966 alleles (35%); highest among the groups gnomAD compares: East Asian, 58%; 9,585 homozygotes.

Submission:

GeneDx
Classification: Benign. Last evaluated: 2018-06-14. Review status: criteria provided, single submitter. Criteria: GeneDx Variant Classification (06012015). Collection method: clinical testing. Allele origin: germline. Affected: yes.
Comment: This variant is considered likely benign or benign based on one or more of the following criteria: it is a conservative change, it occurs at a poorly conserved position in the protein, it is predicted to be benign by multiple in silico algorithms, and/or has population frequency not consistent with disease.